The following is an entry in ClinVar:

ClinVar aggregate classification (germline): Conflicting classifications of pathogenicity. Review status: criteria provided, conflicting classifications (1 of 4 stars). 3 submissions from 3 submitters: Uncertain significance (2); Likely benign (1). Last evaluated 2025-05-26.

Conditions:
Cardiovascular phenotype. Identifiers: MedGen CN230736.
Brugada syndrome. Also called: Sudden unexpected nocturnal death syndrome; Sudden unexplained nocturnal death syndrome; Sudden Unexplained Death Syndrome; Sudden Unexplained Nocturnal Death Syndrome (SUNDS). Identifiers: Orphanet 130, MedGen C1142166, MONDO:0015263.

Allele frequency attached by ClinVar (database versions not stated): gnomAD exomes below 0.00001; ExAC 0.00002; gnomAD 0.00007; TOPMed 0.00007; ESP Exome Variant Server 0.00015.
gnomAD v4.1: 15 of 1,614,054 alleles (0.00093%); highest among the groups gnomAD compares: African/African-American, 0.019%; no homozygotes.

Submissions (3):

Labcorp Genetics (formerly Invitae), Labcorp
Classification: Uncertain significance for Brugada syndrome. Last evaluated: 2025-05-26. Review status: criteria provided, single submitter. Criteria: Invitae Variant Classification Sherloc (09022015). Collection method: clinical testing. Allele origin: germline.
Comment: This sequence change replaces isoleucine, which is neutral and non-polar, with valine, which is neutral and non-polar, at codon 1575 of the SCN10A protein (p.Ile1575Val). This variant is present in population databases (rs140694303, gnomAD 0.01%). This variant has not been reported in the literature in individuals affected with SCN10A-related conditions. ClinVar contains an entry for this variant (Variation ID: 1742672). Invitae Evidence Modeling of protein sequence and biophysical properties (such as structural, functional, and spatial information, amino acid conservation, physicochemical variation, residue mobility, and thermodynamic stability) indicates that this missense variant is not expected to disrupt SCN10A protein function with a negative predictive value of 80%. In summary, the available evidence is currently insufficient to determine the role of this variant in disease. Therefore, it has been classified as a Variant of Uncertain Significance.

GeneDx
Classification: Uncertain significance. Last evaluated: 2025-04-28. Review status: criteria provided, single submitter. Criteria: GeneDx Variant Classification Process June 2021. Collection method: clinical testing. Allele origin: germline. Affected: yes.
Comment: Has not been previously published as pathogenic or benign to our knowledge; Not observed at significant frequency in large population cohorts (gnomAD); In silico analysis indicates that this missense variant does not alter protein structure/function

Ambry Genetics
Classification: Likely benign for Cardiovascular phenotype. Last evaluated: 2022-12-20. Review status: criteria provided, single submitter. Criteria: Ambry Variant Classification Scheme 2023. Collection method: clinical testing. Allele origin: germline.

NM_006514.4(SCN10A):c.4723A>G (p.Ile1575Val)

Gene: SCN10A (sodium voltage-gated channel alpha subunit 10; minus strand). Cytogenetic location: 3p22.2.
Variant type: single nucleotide variant.
Coding change: c.4723A>G on transcript NM_006514.4 (MANE Select); coding-DNA position 4723, A replaced by G.
Protein change: p.Ile1575Val; replaces isoleucine 1575 with valine.
Molecular consequence: missense variant.
Genome position (GRCh38, 1-based): chr3:38,698,497, T>C on the plus strand (A>G on the coding strand, the complement: SCN10A is on the minus strand). VCF-style: chr3-38698497-T-C. GRCh37 (hg19) VCF-style: chr3-38739988-T-C.
Other names: c.4720A>G, p.Ile1574Val (NM_001293306.2); c.4429A>G, p.Ile1477Val (NM_001293307.2); short protein forms I1574V, I1575V, I1477V.
Identifiers: ClinVar variation 1742672 (VCV001742672.7), dbSNP rs140694303, ClinGen allele CA2319828.